The following is an entry in ClinVar:

NM_014694.4(ADAMTSL2):c.1934G>A (p.Arg645His)

Gene: ADAMTSL2 (ADAMTS like 2; plus strand). Cytogenetic location: 9q34.2.
Variant type: single nucleotide variant.
Coding change: c.1934G>A on transcript NM_014694.4 (MANE Select); coding-DNA position 1934, G replaced by A.
Protein change: p.Arg645His; replaces arginine 645 with histidine.
Molecular consequence: missense variant.
Genome position (GRCh38, 1-based): chr9:133,568,332, G>A. VCF-style: chr9-133568332-G-A. GRCh37 (hg19) VCF-style: chr9-136433454-G-A.
Other names: c.1934G>A, p.Arg645His (NM_001145320.2); short protein forms R645H.
Identifiers: ClinVar variation 1334607 (VCV001334607.29), dbSNP rs1831023991, ClinGen allele CA375403037.
Genomic context (GRCh38, chr9:133,568,332, plus strand): 5'-GGTGGGAGACGAGCAGCTGGAGCGAGTGTTCGCGCACCTGCGGAGAGGGCTACCAGTTCC[G>A]CGTCGTGCGCTGCTGGAAGATGCTCTCGCCCGGCTTCGACAGCTCCGTGTACAGCGACCT-3'
Protein context (NP_055509.2, residues 635-655): SRTCGEGYQF[Arg645His]VVRCWKMLSP

ClinVar aggregate classification (germline): Uncertain significance. Review status: criteria provided, multiple submitters, no conflicts (2 of 4 stars). 2 submissions from 2 submitters: Uncertain significance (2). Last evaluated 2022-10-11.

Conditions:
Lethal short-limb skeletal dysplasia, Al Gazali type. Also called: Lethal neonatal short limb dwarfism. Identifiers: Orphanet 646136, MedGen C1832435, MONDO:0011051, OMIM 601356.

Allele frequency attached by ClinVar (database versions not stated): gnomAD exomes below 0.00001; TOPMed below 0.00001.
gnomAD v4.1: 1 of 1,585,620 alleles (0.000063%); no homozygotes.

Submissions (2):

Rare Disease Group, Clinical Genetics, Karolinska Institutet
Classification: Uncertain significance for Lethal short-limb skeletal dysplasia, Al Gazali type. Last evaluated: 2022-10-11. Review status: criteria provided, single submitter. Criteria: ACMG Guidelines, 2015. Collection method: clinical testing. Allele origin: germline. Affected: yes.

Greenwood Genetic Center Diagnostic Laboratories, Greenwood Genetic Center
Classification: Uncertain significance. Last evaluated: 2021-10-07. Review status: criteria provided, single submitter. Criteria: ACMG Guidelines, 2015. Collection method: clinical testing. Allele origin: germline. Affected: yes.
Comment: PM2, PS4_Supporting

Literature cited by the submitters: PubMed 24251637 (cited by Rare Disease Group, Clinical Genetics, Karolinska Institutet).